The following is an entry in ClinVar:

NM_199420.4(POLQ):c.4502A>G (p.Lys1501Arg)

Gene: POLQ (DNA polymerase theta; minus strand). Cytogenetic location: 3q13.33.
Variant type: single nucleotide variant.
Coding change: c.4502A>G on transcript NM_199420.4 (MANE Select); coding-DNA position 4502, A replaced by G.
Protein change: p.Lys1501Arg; replaces lysine 1501 with arginine.
Molecular consequence: missense variant.
Genome position (GRCh38, 1-based): chr3:121,488,429, T>C on the plus strand (A>G on the coding strand, the complement: POLQ is on the minus strand). VCF-style: chr3-121488429-T-C. GRCh37 (hg19) VCF-style: chr3-121207276-T-C.
Other names: short protein forms K1501R.
Identifiers: ClinVar variation 3230003 (VCV003230003.1), dbSNP rs2546785853, ClinGen allele CA354094921.

ClinVar aggregate classification (germline): Uncertain significance (1 of 4 stars; one submission).

Submission:

Ambry Genetics
Classification: Uncertain significance. Last evaluated: 2023-10-22. Review status: criteria provided, single submitter. Criteria: Ambry Variant Classification Scheme 2023. Collection method: clinical testing. Allele origin: germline.
Comment: The p.K1501R variant (also known as c.4502A>G), located in coding exon 16 of the POLQ gene, results from an A to G substitution at nucleotide position 4502. The lysine at codon 1501 is replaced by arginine, an amino acid with highly similar properties. This amino acid position is conserved. In addition, this alteration is predicted to be tolerated by in silico analysis. Since supporting evidence is limited at this time, the clinical significance of this alteration remains unclear.